The following is an entry in ClinVar:

NM_174878.3(CLRN1):c.433+1061A>T

Gene: CLRN1 (clarin 1; minus strand). Cytogenetic location: 3q25.1.
Variant type: single nucleotide variant.
Coding change: c.433+1061A>T on transcript NM_174878.3 (MANE Select); 1061 bases into the intron after coding-DNA position 433, A replaced by T.
Molecular consequence: intron variant. On other transcripts: splice acceptor variant (1).
Genome position (GRCh38, 1-based): chr3:150,940,521, T>A on the plus strand (A>T on the coding strand, the complement: CLRN1 is on the minus strand). VCF-style: chr3-150940521-T-A. GRCh37 (hg19) VCF-style: chr3-150658308-T-A.
Other names: c.205+1061A>T (NM_052995.2); c.434-2A>T (NM_001195794.1); c.*47+1061A>T (NM_001256819.2).
Identifiers: ClinVar variation 228521 (VCV000228521.14), dbSNP rs567709615, ClinGen allele CA2666053.

ClinVar aggregate classification (germline): Conflicting classifications of pathogenicity. Review status: criteria provided, conflicting classifications (1 of 4 stars). 8 submissions from 7 submitters: Uncertain significance (4); Likely benign (1). 3 of the submissions do not count toward it. Last evaluated 2024-10-17.

Conditions:
Usher syndrome type 3A (USH3A). Also called: USHER SYNDROME, TYPE IIIA. Identifiers: MedGen C5779850, MONDO:0010170, OMIM 276902.
Retinal dystrophy. Also called: Inherited retinal dystrophy. Identifiers: Orphanet 71862, MedGen C0854723, MeSH D058499, MONDO:0019118, HP:0000556.
Hearing impairment. Also called: Impaired Hearing. Identifiers: MedGen C1384666, MONDO:0005365, HP:0000365.
Optic atrophy. Identifiers: MedGen C0029124, MONDO:0003608, HP:0000648.
Retinitis pigmentosa (RP). Identifiers: Orphanet 791, MedGen C0035334, MeSH D012174, MONDO:0019200, OMIM 268000. Inheritance: Autosomal dominant, autosomal recessive and X linked inheritance.

Allele frequency attached by ClinVar (database versions not stated): ExAC 0.00008; gnomAD exomes 0.00051 and 0.00085; TOPMed 0.00064; gnomAD 0.00065 and 0.00070.
gnomAD v4.1: 1,265 of 1,534,600 alleles (0.082%); highest among the groups gnomAD compares: Non-Finnish European, 0.1%; 1 homozygote.

Submissions (8):

Blueprint Genetics
Classification: Likely benign. Last evaluated: 2024-10-17. Review status: criteria provided, single submitter. Criteria: ACMG Guidelines, 2015. Collection method: clinical testing. Allele origin: germline.

Department of Otolaryngology – Head & Neck Surgery, Cochlear Implant Center
Classification: Uncertain significance for Hearing impairment. Last evaluated: 2021-04-12. Review status: criteria provided, single submitter. Criteria: ClinGen HL ACMG Specifications v1. Collection method: clinical testing. Allele origin: germline. Affected: yes.
Comment: PVS1_Strong, PM2_Supporting, BP4_Supporting

Centre for Mendelian Genomics, University Medical Centre Ljubljana
Classification: Uncertain significance for Retinitis pigmentosa. Last evaluated: 2019-01-16. Review status: criteria provided, single submitter. Criteria: ACMG Guidelines, 2015. Collection method: clinical testing. Allele origin: unknown. Affected: yes.
Comment: This variant was classified as: Uncertain significance. The available evidence favors the benign nature of this variant, however the evidence is insufficent to prove its benign nature. The following ACMG criteria were applied in classifying this variant: PM2.

Laboratory for Molecular Medicine, Mass General Brigham Personalized Medicine
Classification: Uncertain significance. Last evaluated: 2018-11-07. Review status: criteria provided, single submitter. Criteria: LMM Criteria. Collection method: clinical testing. Allele origin: germline. Observed: 5 variant alleles.
Comment: The c.434-2A>T variant in CLRN1 has been previously identified by our laboratory in five individuals with hearing loss, but none of these individuals had a vari ant affecting the remaining copy of the CLRN1 gene. This variant has been identi fied in 0.12% (81/68182) of European chromosomes by the Genome Aggregation Datab ase. This variant is located at the -2 splic e site position near exon 3 of an alternate transcript (NM_001195794.1) of the C LRN1 gene, and is predicted to impact splicing of this transcript. However, in a ll other transcripts of the gene, including the major transcript (NM_174878.2), the variant lies in an intronic region that is distant from the splice sites of exons expressed in those transcripts and is not predicted to impact their splici ng. While this alternate transcript (NM_001195794.1) is reportedly expressed in the retina (Vastinsalo 2011), to date, pathogenic variants have not been reporte d in exon 3 of this transcript in individuals with Usher syndrome. Therefore, it is not clear whether abnormal splicing affecting only the alternate transcript can cause disease. In summary, the clinical significance of this variant is unce rtain. ACMG/AMP Criteria applied: PP3, BS1_Supporting.

GeneDx
Classification: Uncertain significance. Last evaluated: 2016-09-12. Review status: criteria provided, single submitter. Criteria: GeneDx Variant Classification (06012015). Collection method: clinical testing. Allele origin: germline. Affected: yes.
Comment: The c.434-2A>T variant in the CLRN1 gene has been reported previously in an individual with Usher syndrome, however a second variant was not identified (Bonnet et al., 2016). This splice site variant destroys the canonical splice acceptor site in intron 2. It is predicted to cause abnormal gene splicing, either leading to an abnormal message that is subject to nonsense-mediated mRNA decay, or to an abnormal protein product if the message is used for protein translation. The c.434-2A>T variant was not observed with any significant frequency in the Exome Aggregation Consortium (ExAC) data set, indicating it is not a common benign variant. We interpret c.434-2A>T as a variant of uncertain significance.

Institute of Human Genetics, Univ. Regensburg, Univ. Regensburg
Classification: Uncertain significance for Optic atrophy. Last evaluated: 2023-01-01. Review status: no assertion criteria provided. Criteria: ACMG Guidelines, 2015. Collection method: clinical testing. Allele origin: germline. Affected: yes. Not counted in ClinVar's aggregate classification.

Institute of Human Genetics, Univ. Regensburg, Univ. Regensburg
Classification: Uncertain significance for Retinal dystrophy. Last evaluated: 2023-01-01. Review status: no assertion criteria provided. Criteria: ACMG Guidelines, 2015. Collection method: clinical testing. Allele origin: germline. Affected: yes. Not counted in ClinVar's aggregate classification.

Counsyl
Classification: Uncertain significance for Usher syndrome type 3A. Last evaluated: 2016-12-15. Review status: no assertion criteria provided. Collection method: clinical testing. Allele origin: unknown. Not counted in ClinVar's aggregate classification.

Literature cited by the submitters: PubMed 20717163 (cited by Department of Otolaryngology – Head & Neck Surgery, Cochlear Implant Center and Laboratory for Molecular Medicine, Mass General Brigham Personalized Medicine); PubMed 27460420 (cited by Laboratory for Molecular Medicine, Mass General Brigham Personalized Medicine).